The following is an entry in ClinVar:

ClinVar aggregate classification (germline): Uncertain significance. Review status: criteria provided, multiple submitters, no conflicts (2 of 4 stars). 3 submissions from 3 submitters: Uncertain significance (3). Last evaluated 2024-05-13.

Conditions:
Wilms tumor 1 (WT1). Also called: Wilms tumor, somatic. Identifiers: Orphanet 654, MedGen CN033288, MONDO:0008679, OMIM 194070.

Allele frequency attached by ClinVar (database versions not stated): gnomAD exomes below 0.00001.
gnomAD v4.1: 3 of 1,210,701 alleles (0.00025%); highest among the groups gnomAD compares: Middle Eastern, 0.023%; no homozygotes.

Submissions (3):

Blueprint Genetics
Classification: Uncertain significance. Last evaluated: 2024-05-13. Review status: criteria provided, single submitter. Criteria: ACMG Guidelines, 2015. Collection method: clinical testing. Allele origin: germline.

Labcorp Genetics (formerly Invitae), Labcorp
Classification: Uncertain significance for Wilms tumor 1. Last evaluated: 2023-06-05. Review status: criteria provided, single submitter. Criteria: Invitae Variant Classification Sherloc (09022015). Collection method: clinical testing. Allele origin: germline.
Comment: ClinVar contains an entry for this variant (Variation ID: 2057147). This variant is not present in population databases (gnomAD no frequency). This variant has not been reported in the literature in individuals affected with GPC3-related conditions. Advanced modeling of protein sequence and biophysical properties (such as structural, functional, and spatial information, amino acid conservation, physicochemical variation, residue mobility, and thermodynamic stability) performed at Invitae indicates that this missense variant is not expected to disrupt GPC3 protein function. In summary, the available evidence is currently insufficient to determine the role of this variant in disease. Therefore, it has been classified as a Variant of Uncertain Significance. This sequence change replaces aspartic acid, which is acidic and polar, with tyrosine, which is neutral and polar, at codon 485 of the GPC3 protein (p.Asp485Tyr).

CeGaT Center for Human Genetics Tuebingen
Classification: Uncertain significance. Last evaluated: 2022-04-01. Review status: criteria provided, single submitter. Criteria: CeGaT Center For Human Genetics Tuebingen Variant Classification Criteria Version 2. Collection method: clinical testing. Allele origin: germline. Affected: yes. Observed: 1 variant allele.
Comment: GPC3: PM2

NM_004484.4(GPC3):c.1453G>T (p.Asp485Tyr)

Gene: GPC3 (glypican 3; minus strand). Cytogenetic location: Xq26.2.
Variant type: single nucleotide variant.
Coding change: c.1453G>T on transcript NM_004484.4 (MANE Select); coding-DNA position 1453, G replaced by T.
Protein change: p.Asp485Tyr; replaces aspartic acid 485 with tyrosine.
Molecular consequence: missense variant.
Genome position (GRCh38, 1-based): chrX:133,596,560, C>A on the plus strand (G>T on the coding strand, the complement: GPC3 is on the minus strand). VCF-style: chrX-133596560-C-A. GRCh37 (hg19) VCF-style: chrX-132730588-C-A.
Other names: c.1522G>T, p.Asp508Tyr (NM_001164617.2); c.1405G>T, p.Asp469Tyr (NM_001164618.2); c.1291G>T, p.Asp431Tyr (NM_001164619.2); short protein forms D485Y, D469Y, D431Y, D508Y.
Identifiers: ClinVar variation 2057147 (VCV002057147.29), dbSNP rs750171653, ClinGen allele CA16622102.